The following is an entry in ClinVar:

NM_153766.3(KCNJ1):c.955C>T (p.Arg319Ter)

Gene: KCNJ1 (potassium inwardly rectifying channel subfamily J member 1; minus strand). Cytogenetic location: 11q24.3.
Variant type: single nucleotide variant.
Coding change: c.955C>T on transcript NM_153766.3 (MANE Select); coding-DNA position 955, C replaced by T.
Protein change: p.Arg319Ter; replaces arginine 319 with a stop codon.
Molecular consequence: nonsense.
Genome position (GRCh38, 1-based): chr11:128,839,289, G>A on the plus strand (C>T on the coding strand, the complement: KCNJ1 is on the minus strand). VCF-style: chr11-128839289-G-A. GRCh37 (hg19) VCF-style: chr11-128709184-G-A.
Other names: c.1012C>T, p.Arg338Ter (NM_000220.6); c.955C>T, p.Arg319Ter (NM_153764.3, NM_153767.4); c.1006C>T, p.Arg336Ter (NM_153765.3); short protein forms R319*, R338*, R336*.
Identifiers: ClinVar variation 523794 (VCV000523794.11), dbSNP rs377205432, ClinGen allele CA6357411.

ClinVar aggregate classification (germline): Pathogenic/Likely pathogenic. Review status: criteria provided, multiple submitters, no conflicts (2 of 4 stars). 4 submissions from 4 submitters: Pathogenic (2); Likely pathogenic (2). Last evaluated 2026-01-18.

Conditions:
Bartter disease type 2. Also called: HYPERPROSTAGLANDIN E SYNDROME 2; HYPOKALEMIC ALKALOSIS WITH HYPERCALCIURIA 2, ANTENATAL; Bartter syndrome, type 2, antenatal. Identifiers: Orphanet 112, Orphanet 620220, MedGen C1855849, MONDO:0009424, OMIM 241200.

Allele frequency attached by ClinVar (database versions not stated): ExAC 0.00003; gnomAD 0.00003; TOPMed 0.00003; ESP Exome Variant Server 0.00008; gnomAD exomes 0.00008; 1000 Genomes Project 30x 0.00016; 1000 Genomes Project 0.00020.
gnomAD v4.1: 181 of 1,614,046 alleles (0.011%); highest among the groups gnomAD compares: Non-Finnish European, 0.013%; no homozygotes.

Submissions (4):

Labcorp Genetics (formerly Invitae), Labcorp
Classification: Pathogenic. Last evaluated: 2026-01-18. Review status: criteria provided, single submitter. Criteria: Invitae Variant Classification Sherloc (09022015). Collection method: clinical testing. Allele origin: germline.
Comment: This sequence change creates a premature translational stop signal (p.Arg338*) in the KCNJ1 gene. While this is not anticipated to result in nonsense mediated decay, it is expected to disrupt the last 54 amino acid(s) of the KCNJ1 protein. This variant is present in population databases (rs377205432, gnomAD 0.03%). This premature translational stop signal has been observed in individuals with Bartter syndrome (PMID: 9002665, 12589089, 19096086). ClinVar contains an entry for this variant (Variation ID: 523794). For these reasons, this variant has been classified as Pathogenic.

Fulgent Genetics
Classification: Likely pathogenic for Bartter disease type 2. Last evaluated: 2021-07-14. Review status: criteria provided, single submitter. Criteria: ACMG Guidelines, 2015. Collection method: clinical testing. Allele origin: unknown.

GeneDx
Classification: Likely pathogenic. Last evaluated: 2018-03-19. Review status: criteria provided, single submitter. Criteria: GeneDx Variant Classification (06012015). Collection method: clinical testing. Allele origin: germline. Affected: yes.
Comment: The R338X variant in the KCNJ1 gene has been reported previously with other variants in two unrelated individuals with clinical diagnoses of antenatal Bartter syndrome (International Collaborative Study Group for Bartter-like Syndromes, 1997; Cho and Guay-Woodford, 2002). This variant is predicted to result in protein truncation, as the last 54 amino acids are lost, and other loss-of-function variants have been reported downstream in the Human Gene Mutation Database (Stenson et al., 2014). The R338X variant is not observed at a significant frequency in large population cohorts (Lek et al., 2016). We interpret R338X as a likely pathogenic variant.

Juno Genomics, Hangzhou Juno Genomics, Inc
Classification: Pathogenic for Bartter disease type 2. Review status: criteria provided, single submitter. Criteria: ACMG Guidelines, 2015. Collection method: clinical testing. Allele origin: germline.
Comment: Absent from controls (or at extremely low frequency if recessive) in Genome Aggregation Database.;Null variant in a gene where loss of function (LOF) is a known mechanism of disease.;For recessive disorders, detected in trans with a pathogenic variant.

Literature cited by the submitters: PubMed 9002665 (cited by Labcorp Genetics (formerly Invitae), Labcorp); PubMed 12589089 (cited by Labcorp Genetics (formerly Invitae), Labcorp); PubMed 19096086 (cited by Labcorp Genetics (formerly Invitae), Labcorp).